The following is an entry in ClinVar:

NM_012203.2(GRHPR):c.562dup (p.Arg188fs)

Gene: GRHPR (glyoxylate and hydroxypyruvate reductase; plus strand). Cytogenetic location: 9p13.2.
Variant type: Duplication.
Coding change: c.562dup on transcript NM_012203.2 (MANE Select); coding-DNA position 562, one base duplicated (A; older notation c.562dupA).
Protein change: p.Arg188fs; shifts the reading frame from arginine 188.
Molecular consequence: frameshift variant.
Genome position (GRCh38, 1-based): chr9:37,429,800, A duplicated. VCF-style (leftmost placement, unchanged base first): chr9-37429799-C-CA. GRCh37 (hg19) VCF-style: chr9-37429796-C-CA.
Other names: short protein forms R188fs.
Identifiers: ClinVar variation 5011953 (VCV005011953.1).
Genomic context (GRCh38, chr9:37,429,799, plus strand): 5'-CATTGCTCGGCGTCTGAAACCATTCGGTGTCCAGAGATTTCTGTACACAGGGCGCCAGCC[C>CA]AGGCCTGAGGAAGCAGCAGAATTCCAGGCAGAGTTTGGTAAGTGAAGCCTTGATTTCCAC-3'

ClinVar aggregate classification (germline): Pathogenic (1 of 4 stars; one submission).

Conditions:
Primary hyperoxaluria, type II (HP2). Also called: D-GLYCERATE DEHYDROGENASE DEFICIENCY; GLYCERIC ACIDURIA; GLYOXYLATE REDUCTASE/HYDROXYPYRUVATE REDUCTASE DEFICIENCY; OXALOSIS II; Primary hyperoxaluria type 2. Identifiers: Orphanet 416, Orphanet 93599, MedGen C0268165, MONDO:0009824, OMIM 260000. Disease mechanism: loss of function.

Submission:

Myriad Genetics, Inc.
Classification: Pathogenic for Primary hyperoxaluria, type II. Last evaluated: 2023-09-27. Review status: criteria provided, single submitter. Criteria: Myriad Autosomal Dominant, Autosomal Recessive and X-Linked Classification Criteria (2023). Collection method: clinical testing. Allele origin: unknown.
Comment: NM_012203.1(GRHPR):c.562dupA(R188Kfs*3) is expected to be pathogenic in the context of primary hyperoxaluria type 2. This variant is predicted to lead to an abnormal or absent protein product due to the creation of a premature termination codon in GRHPR, a gene where loss-of-function variants are known to be pathogenic. Please note: this variant was assessed in the context of healthy population screening.